The following is an entry in ClinVar:

ClinVar aggregate classification (germline): Uncertain significance (1 of 4 stars; one submission).

Submission:

ARUP Laboratories, Molecular Genetics and Genomics, ARUP Laboratories
Classification: Uncertain significance. Last evaluated: 2025-03-05. Review status: criteria provided, single submitter. Criteria: ARUP Molecular Germline Variant Investigation Process 2024. Collection method: clinical testing. Allele origin: germline.
Comment: The DMD c.6840_6851del; p.Ala2281_Ser2284del variant, to our knowledge, is not reported in the medical literature or gene specific databases. This variant is also absent from the Genome Aggregation Database (v2.1.1), indicating it is not a common polymorphism. This variant deletes four amino acid residues, leaving the rest of the protein in-frame. However, due to limited information, the clinical significance of this variant is uncertain at this time.

NM_004006.3(DMD):c.6840_6851del (p.Ala2281_Ser2284del)

Gene: DMD (dystrophin; minus strand). Cytogenetic location: Xp21.1.
Variant type: Deletion.
Coding change: c.6840_6851del on transcript NM_004006.3 (MANE Select); coding-DNA positions 6840 to 6851, 12 bases deleted (TGCTCCCATAAG).
Protein change: p.Ala2281_Ser2284del.
Molecular consequence: inframe deletion. On other transcripts: 5 prime UTR variant (5).
Genome position (GRCh38, 1-based): chrX:31,929,657-31,929,668, CTTATGGGAGCA deleted on the plus strand (TGCTCCCATAAG on the coding strand, the reverse complement: DMD is on the minus strand); deleting any 12 consecutive bases within chrX:31,929,657-31,929,672 gives the same sequence; the c. name uses the placement nearest the transcript's 3' end. VCF-style (leftmost placement, unchanged base first): chrX-31929656-GCTTATGGGAGCA-G. GRCh37 (hg19) VCF-style: chrX-31947773-GCTTATGGGAGCA-G.
Other names: c.6816_6827del, p.Ala2273_Ser2276del (NM_000109.4); c.6828_6839del, p.Ala2277_Ser2280del (NM_004009.3); c.6471_6482del, p.Ala2158_Ser2161del (NM_004010.3); c.2817_2828del, p.Ala940_Ser943del (NM_004011.4); c.2808_2819del, p.Ala937_Ser940del (NM_004012.4); c.-541_-530del (NM_004013.3, NM_004020.4, NM_004021.3 and 2 more transcripts).
Identifiers: ClinVar variation 4685658 (VCV004685658.1).